The following is an entry in ClinVar:

NM_001127222.2(CACNA1A):c.5468T>C (p.Leu1823Pro)

Gene: CACNA1A (calcium voltage-gated channel subunit alpha1 A; minus strand). Cytogenetic location: 19p13.13.
Variant type: single nucleotide variant.
Coding change: c.5468T>C on transcript NM_001127222.2 (MANE Select); coding-DNA position 5468, T replaced by C.
Protein change: p.Leu1823Pro; replaces leucine 1823 with proline.
Molecular consequence: missense variant.
Genome position (GRCh38, 1-based): chr19:13,230,142, A>G on the plus strand (T>C on the coding strand, the complement: CACNA1A is on the minus strand). VCF-style: chr19-13230142-A-G. GRCh37 (hg19) VCF-style: chr19-13340956-A-G.
Other names: c.5486T>C, p.Leu1829Pro (NM_000068.4, NM_023035.3); c.5471T>C, p.Leu1824Pro (NM_001127221.2); c.5477T>C, p.Leu1826Pro (NM_001174080.2); short protein forms L1824P, L1829P, L1823P, L1826P.
Identifiers: ClinVar variation 383670 (VCV000383670.44), dbSNP rs1057521706, ClinGen allele CA16608059.

ClinVar aggregate classification (germline): Conflicting classifications of pathogenicity. Review status: criteria provided, conflicting classifications (1 of 4 stars). 2 submissions from 2 submitters: Likely pathogenic (1); Uncertain significance (1). Last evaluated 2025-12-08.

Submissions (2):

GeneDx
Classification: Likely pathogenic. Last evaluated: 2025-12-08. Review status: criteria provided, single submitter. Criteria: GeneDx Variant Classification Process June 2021. Collection method: clinical testing. Allele origin: germline. Affected: yes.
Comment: Not observed at significant frequency in large population cohorts (gnomAD); In silico analysis supports that this missense variant has a deleterious effect on protein structure/function; Has not been previously published as pathogenic or benign to our knowledge

CeGaT Center for Human Genetics Tuebingen
Classification: Uncertain significance. Last evaluated: 2016-11-01. Review status: criteria provided, single submitter. Criteria: CeGaT Center For Human Genetics Tuebingen Variant Classification Criteria Version 2. Collection method: clinical testing. Allele origin: germline. Affected: yes. Observed: 1 variant allele.